The following is an entry in ClinVar:

ClinVar aggregate classification (germline): Conflicting classifications of pathogenicity. Review status: criteria provided, conflicting classifications (1 of 4 stars). 4 submissions from 4 submitters: Likely pathogenic (1); Uncertain significance (3). Last evaluated 2025-03-11.

Conditions:
Autosomal recessive hypophosphatemic bone disease (HHRH). Also called: Hypophosphatemic rickets with hypercalciuria; HYPERCALCIURIC RICKETS. Identifiers: Orphanet 157215, MedGen C1853271, MONDO:0009431, OMIM 241530.

Allele frequency attached by ClinVar (database versions not stated): TOPMed below 0.00001; gnomAD 0.00001; ExAC 0.00002; gnomAD exomes 0.00002; ESP Exome Variant Server 0.00008.

Submissions (4):

GeneDx
Classification: Uncertain significance. Last evaluated: 2025-03-11. Review status: criteria provided, single submitter. Criteria: GeneDx Variant Classification Process June 2021. Collection method: clinical testing. Allele origin: germline. Affected: yes.
Comment: Not observed at significant frequency in large population cohorts (gnomAD); In silico analysis supports that this missense variant has a deleterious effect on protein structure/function; Has not been previously published as pathogenic or benign to our knowledge

Blueprint Genetics
Classification: Uncertain significance. Last evaluated: 2024-09-10. Review status: criteria provided, single submitter. Criteria: ACMG Guidelines, 2015. Collection method: clinical testing. Allele origin: germline.

Fulgent Genetics
Classification: Likely pathogenic for Autosomal recessive hypophosphatemic bone disease. Last evaluated: 2024-04-09. Review status: criteria provided, single submitter. Criteria: ACMG Guidelines, 2015. Collection method: clinical testing. Allele origin: germline.

Labcorp Genetics (formerly Invitae), Labcorp
Classification: Uncertain significance. Last evaluated: 2022-03-02. Review status: criteria provided, single submitter. Criteria: Invitae Variant Classification Sherloc (09022015). Collection method: clinical testing. Allele origin: germline.
Comment: In summary, the available evidence is currently insufficient to determine the role of this variant in disease. Therefore, it has been classified as a Variant of Uncertain Significance. Algorithms developed to predict the effect of missense changes on protein structure and function (SIFT, PolyPhen-2, Align-GVGD) all suggest that this variant is likely to be disruptive. This variant has not been reported in the literature in individuals affected with SLC34A3-related conditions. This variant is present in population databases (rs144329336, gnomAD 0.003%). This sequence change replaces glycine, which is neutral and non-polar, with aspartic acid, which is acidic and polar, at codon 423 of the SLC34A3 protein (p.Gly423Asp).

NM_001177316.2(SLC34A3):c.1268G>A (p.Gly423Asp)

Gene: SLC34A3 (solute carrier family 34 member 3; plus strand). Cytogenetic location: 9q34.3.
Variant type: single nucleotide variant.
Coding change: c.1268G>A on transcript NM_001177316.2 (MANE Select); coding-DNA position 1268, G replaced by A.
Protein change: p.Gly423Asp; replaces glycine 423 with aspartic acid.
Molecular consequence: missense variant.
Genome position (GRCh38, 1-based): chr9:137,234,664, G>A. VCF-style: chr9-137234664-G-A. GRCh37 (hg19) VCF-style: chr9-140129116-G-A.
Other names: c.1268G>A (NM_080877.2); c.1268G>A, p.Gly423Asp (NM_001177317.2, NM_080877.3); short protein forms G423D.
Identifiers: ClinVar variation 1934803 (VCV001934803.8), dbSNP rs144329336, ClinGen allele CA5364881.